The following is an entry in ClinVar:

ClinVar aggregate classification (germline): Conflicting classifications of pathogenicity. Review status: criteria provided, conflicting classifications (1 of 4 stars). 4 submissions from 4 submitters: Uncertain significance (1); Benign (1); Likely benign (1). 1 of the submissions does not count toward it. Last evaluated 2026-01-19.

Conditions:
Epidermolysis bullosa simplex 1D, generalized, intermediate or severe, autosomal recessive. Identifiers: Orphanet 89838, MedGen C3715082, MONDO:0010976, OMIM 601001.

Allele frequency attached by ClinVar (database versions not stated): gnomAD 0.00188; TOPMed 0.00231; ESP Exome Variant Server 0.00238; gnomAD exomes 0.00275; 1000 Genomes Project 30x 0.00406; 1000 Genomes Project 0.00419; ExAC 0.00505.
gnomAD v4.1: 2,790 of 1,585,378 alleles (0.18%); highest among the groups gnomAD compares: South Asian, 0.88%; 22 homozygotes.

Submissions (4):

Labcorp Genetics (formerly Invitae), Labcorp
Classification: Benign. Last evaluated: 2026-01-19. Review status: criteria provided, single submitter. Criteria: Invitae Variant Classification Sherloc (09022015). Collection method: clinical testing. Allele origin: germline.

CeGaT Center for Human Genetics Tuebingen
Classification: Likely benign. Last evaluated: 2025-12-01. Review status: criteria provided, single submitter. Criteria: CeGaT Center For Human Genetics Tuebingen Variant Classification Criteria Version 2. Collection method: clinical testing. Allele origin: germline. Affected: yes. Observed: 4 variant alleles.
Comment: KRT14: BS2

Genomic Research Center, Shahid Beheshti University of Medical Sciences
Classification: Uncertain significance for Epidermolysis bullosa simplex, autosomal recessive. Last evaluated: 2018-08-07. Review status: criteria provided, single submitter. Criteria: ACMG Guidelines, 2015. Collection method: clinical testing. Allele origin: inherited. Affected: yes. Observed: 1 variant allele.

Epithelial Biology;  Institute of Medical Biology, Singapore
No classification provided. Review status: no classification provided. Collection method: not provided. Allele origin: not provided. Not counted in ClinVar's aggregate classification.

NM_000526.5(KRT14):c.88C>T (p.Arg30Cys)

Gene: KRT14 (keratin 14; minus strand). Cytogenetic location: 17q21.2.
Variant type: single nucleotide variant.
Coding change: c.88C>T on transcript NM_000526.5 (MANE Select); coding-DNA position 88, C replaced by T.
Protein change: p.Arg30Cys; replaces arginine 30 with cysteine.
Molecular consequence: missense variant.
Genome position (GRCh38, 1-based): chr17:41,586,747, G>A on the plus strand (C>T on the coding strand, the complement: KRT14 is on the minus strand). VCF-style: chr17-41586747-G-A. GRCh37 (hg19) VCF-style: chr17-39742999-G-A.
Other names: short protein forms R30C.
Identifiers: ClinVar variation 66381 (VCV000066381.37), dbSNP rs201069984, ClinGen allele CA216988.